The following is an entry in ClinVar:

ClinVar aggregate classification (germline): Uncertain significance (1 of 4 stars; one submission).

gnomAD v4.1: 5 of 1,613,696 alleles (0.00031%); highest among the groups gnomAD compares: Middle Eastern, 0.016%; no homozygotes.

Submission:

Labcorp Genetics (formerly Invitae), Labcorp
Classification: Uncertain significance. Last evaluated: 2024-08-06. Review status: criteria provided, single submitter. Criteria: Invitae Variant Classification Sherloc (09022015). Collection method: clinical testing. Allele origin: germline.
Comment: This sequence change replaces leucine, which is neutral and non-polar, with valine, which is neutral and non-polar, at codon 2424 of the LRP2 protein (p.Leu2424Val). This variant is present in population databases (no rsID available, gnomAD 0.0009%). This variant has not been reported in the literature in individuals affected with LRP2-related conditions. Advanced modeling of protein sequence and biophysical properties (such as structural, functional, and spatial information, amino acid conservation, physicochemical variation, residue mobility, and thermodynamic stability) performed at Invitae indicates that this missense variant is not expected to disrupt LRP2 protein function with a negative predictive value of 95%. In summary, the available evidence is currently insufficient to determine the role of this variant in disease. Therefore, it has been classified as a Variant of Uncertain Significance.

NM_004525.3(LRP2):c.7270C>G (p.Leu2424Val)

Gene: LRP2 (LDL receptor related protein 2; minus strand). Cytogenetic location: 2q31.1.
Variant type: single nucleotide variant.
Coding change: c.7270C>G on transcript NM_004525.3 (MANE Select); coding-DNA position 7270, C replaced by G.
Protein change: p.Leu2424Val; replaces leucine 2424 with valine.
Molecular consequence: missense variant.
Genome position (GRCh38, 1-based): chr2:169,206,450, G>C on the plus strand (C>G on the coding strand, the complement: LRP2 is on the minus strand). VCF-style: chr2-169206450-G-C. GRCh37 (hg19) VCF-style: chr2-170062960-G-C.
Other names: short protein forms L2424V.
Identifiers: ClinVar variation 3682792 (VCV003682792.2).